The following is an entry in ClinVar:

NM_033380.3(COL4A5):c.385-723C>G

Gene: COL4A5 (collagen type IV alpha 5 chain; plus strand). Cytogenetic location: Xq22.3.
Variant type: single nucleotide variant.
Coding change: c.385-723C>G on transcript NM_033380.3 (MANE Select); 723 bases into the intron before coding-DNA position 385, C replaced by G.
Molecular consequence: intron variant.
Genome position (GRCh38, 1-based): chrX:108,570,690, C>G. VCF-style: chrX-108570690-C-G. GRCh37 (hg19) VCF-style: chrX-107813920-C-G.
Other names: c.385-723C>G (NM_000495.5).
Identifiers: ClinVar variation 4818884 (VCV004818884.1).
Genomic context (GRCh38, chrX:108,570,690, plus strand): 5'-TTTTAAACTTGATGTCTAGGCCACTTCCTTTCTCTCGGGACCTACTTTTTCCATGTGTAA[C>G]AAGGTGGAGAGAAGGGTATTGGACTCACAAAGACACACAACAGTAGTAATTTTATTCTTT-3'

ClinVar aggregate classification (germline): Uncertain significance (1 of 4 stars; one submission).

Conditions:
X-linked Alport syndrome (ATS1). Also called: NEPHROPATHY AND DEAFNESS, X-LINKED; COL4A5-Related Nephropathy. Identifiers: Orphanet 63, Orphanet 88917, MedGen C4746986, MONDO:0010520, OMIM 301050.

Submission:

MVZ Medizinische Genetik Mainz
Classification: Uncertain significance for X-linked Alport syndrome. Last evaluated: 2026-02-02. Review status: criteria provided, single submitter. Criteria: UK Practice Guidelines For Variant Classification V4 01 2020. Collection method: clinical testing. Allele origin: germline. Inheritance: X-linked dominant inheritance. Affected: yes. Observed: 1 variant allele.
Comment: ACMG Criteria: PS1_SUP,PM2_SUP